The following is an entry in ClinVar:

ClinVar aggregate classification (germline): Uncertain significance/Uncertain risk allele. Review status: criteria provided, multiple submitters, no conflicts (2 of 4 stars). 4 submissions from 4 submitters: Uncertain significance (3); Uncertain risk allele (1). Last evaluated 2025-09-14.

Conditions:
Diabetic retinopathy. Identifiers: MedGen C0011884, MONDO:0005266.
Familial thoracic aortic aneurysm and aortic dissection (TAAD). Also called: Thoracic aortic aneurysms and dissections. Identifiers: Orphanet 91387, MedGen C4707243, MONDO:0019625.
Loeys-Dietz syndrome 2 (LDS2). Also called: TGFBR2-Related Loeys-Dietz Syndrome; Marfan Syndrome type 2; Marfan like connective tissue disorder; MFS 2; Marfan syndrome, type 2 (formerly); AORTIC ANEURYSM, FAMILIAL THORACIC 3. Identifiers: Orphanet 284973, Orphanet 558, MedGen C2674574, MONDO:0012427, OMIM 610168.

Allele frequency attached by ClinVar (database versions not stated): gnomAD exomes below 0.00001.
gnomAD v4.1: 1 of 1,613,974 alleles (0.000062%); highest among the groups gnomAD compares: Non-Finnish European, 0.000085%; no homozygotes.

Submissions (4):

Labcorp Genetics (formerly Invitae), Labcorp
Classification: Uncertain significance for Familial thoracic aortic aneurysm and aortic dissection. Last evaluated: 2025-09-14. Review status: criteria provided, single submitter. Criteria: Invitae Variant Classification Sherloc (09022015). Collection method: clinical testing. Allele origin: germline.
Comment: This sequence change replaces threonine, which is neutral and polar, with isoleucine, which is neutral and non-polar, at codon 99 of the TGFBR2 protein (p.Thr99Ile). This variant is present in population databases (no rsID available, gnomAD 0.0009%). This missense change has been observed in individual(s) with clinical features of TGFBR2-related conditions (internal data). ClinVar contains an entry for this variant (Variation ID: 213914). Invitae Evidence Modeling of protein sequence and biophysical properties (such as structural, functional, and spatial information, amino acid conservation, physicochemical variation, residue mobility, and thermodynamic stability) has been performed for this missense variant. However, the output from this modeling did not meet the statistical confidence thresholds required to predict the impact of this variant on TGFBR2 protein function. In summary, the available evidence is currently insufficient to determine the role of this variant in disease. Therefore, it has been classified as a Variant of Uncertain Significance.

All of Us Research Program, National Institutes of Health
Classification: Uncertain significance for Loeys-Dietz syndrome 2. Last evaluated: 2023-03-04. Review status: criteria provided, single submitter. Criteria: ACMG Guidelines, 2015. Collection method: clinical testing. Allele origin: germline. Inheritance: Autosomal dominant inheritance. Observed: 1 variant allele, 1 heterozygote.
Comment: This study involves interpretation of variants in research participants for the purpose of population health screening. Participant phenotype was not available at the time of variant classification. Additional details can be found in publication PMID: 35346344, PMCID: PMC8962531

GeneDx
Classification: Uncertain significance. Last evaluated: 2014-02-16. Review status: criteria provided, single submitter. Criteria: GeneDx Variant Classification (06012015). Collection method: clinical testing. Allele origin: germline. Affected: yes.
Comment: The T99I variant in the TGFBR2 gene has not been reported as a disease-causing mutation or as a benign polymorphism to our knowledge. T99I results in a semi-conservative amino acid substitution of a polar Threonine residue with a non-polar Isoleucine residue at a position that is conserved across species. A mutation affecting a nearby residue (T96I) has been reported in association with Marfan syndrome type II, further supporting the functional importance of this region of the protein. The T99I variant was not observed in approximately 6,500 individuals of European and African American ancestry in the NHLBI Exome Sequencing Project, indicating it is not a common benign variant in these populations. With the clinical and molecular information available at this time, we cannot definitively determine if T99I is a disease-causing mutation or a rare benign variant. This variant was found in TAAD

Clinical Genomics, Uppaluri K&H Personalized Medicine Clinic
Classification: Uncertain risk allele for Diabetic retinopathy. Review status: criteria provided, single submitter. Criteria: K And H Uppaluri Personalized Medicine Clinic Variant Classification And Assertion Criteria Updated V 2. Collection method: research. Allele origin: unknown.
Comment: Potent mutations in TGFBR2 gene encodes the transforming growth factor that have been associated with angiogenesis and diabetic retinopathy. More clinical studies are needed for stronger association. However, more evidence is required to confer the association of this particular variant rs863223837 with diabetic retinopathy.

Literature cited by the submitters: PubMed 30222965 (cited by Clinical Genomics, Uppaluri K&H Personalized Medicine Clinic); PubMed 28162229 (cited by Clinical Genomics, Uppaluri K&H Personalized Medicine Clinic); PubMed 34572573 (cited by Clinical Genomics, Uppaluri K&H Personalized Medicine Clinic).

NM_003242.6(TGFBR2):c.296C>T (p.Thr99Ile)

Gene: TGFBR2 (transforming growth factor beta receptor 2; plus strand). Cytogenetic location: 3p24.1.
Variant type: single nucleotide variant.
Coding change: c.296C>T on transcript NM_003242.6 (MANE Select); coding-DNA position 296, C replaced by T.
Protein change: p.Thr99Ile; replaces threonine 99 with isoleucine.
Molecular consequence: missense variant.
Genome position (GRCh38, 1-based): chr3:30,650,302, C>T. VCF-style: chr3-30650302-C-T. GRCh37 (hg19) VCF-style: chr3-30691794-C-T.
Other names: p.T99I:ACA>ATA; c.371C>T, p.Thr124Ile (NM_001024847.3, NM_001407126.1, NM_001407139.1); c.296C>T, p.Thr99Ile (NM_001407127.1, NM_001407130.1); c.323C>T, p.Thr108Ile (NM_001407128.1); c.191C>T, p.Thr64Ile (NM_001407129.1, NM_001407132.1, NM_001407133.1 and 3 more transcripts); short protein forms T124I, T99I, T108I, T64I.
Identifiers: ClinVar variation 213914 (VCV000213914.6), dbSNP rs863223837, ClinGen allele CA323667.